The following is an entry in ClinVar:

ClinVar aggregate classification (germline): Likely pathogenic (1 of 4 stars; one submission).

Conditions:
Cystic fibrosis (CF). Also called: MUCOVISCIDOSIS. Identifiers: Orphanet 586, MedGen C0010674, MONDO:0009061, OMIM 219700. Disease mechanism: loss of function.

Submission:

Women's Health and Genetics/Laboratory Corporation of America, LabCorp
Classification: Likely pathogenic for Cystic fibrosis. Last evaluated: 2022-01-11. Review status: criteria provided, single submitter. Criteria: LabCorp Variant Classification Summary - May 2015. Collection method: clinical testing. Allele origin: germline.
Comment: Variant summary: CFTR c.1333_1336delAATT (p.Asn445SerfsX3) results in a premature termination codon, predicted to cause a truncation of the encoded protein or absence of the protein due to nonsense mediated decay, which are commonly known mechanisms for disease. Truncations downstream of this position have been classified as pathogenic by our laboratory. The variant was absent in 242712 control chromosomes. To our knowledge, no occurrence of c.1333_1336delAATT in individuals affected with Cystic Fibrosis and no experimental evidence demonstrating its impact on protein function have been reported. No clinical diagnostic laboratories have submitted clinical-significance assessments for this variant to ClinVar after 2014. Based on the evidence outlined above, the variant was classified as likely pathogenic.

NM_000492.4(CFTR):c.1333_1336del (p.Asn445fs)

Genes: CFTR (CF transmembrane conductance regulator; plus strand), CFTR-AS1 (CFTR antisense RNA 1; minus strand). Cytogenetic location: 7q31.2.
Variant type: Deletion.
Coding change: c.1333_1336del on transcript NM_000492.4 (MANE Select); coding-DNA positions 1333 to 1336, 4 bases deleted (AATT; older notation c.1333_1336delAATT).
Protein change: p.Asn445fs; shifts the reading frame from asparagine 445.
Molecular consequence: frameshift variant.
Genome position (GRCh38, 1-based): chr7:117,548,764-117,548,767, AATT deleted; deleting any 4 consecutive bases within chr7:117,548,761-117,548,767 gives the same sequence; the c. name uses the placement nearest the transcript's 3' end. VCF-style (leftmost placement, unchanged base first): chr7-117548760-TATTA-T. GRCh37 (hg19) VCF-style: chr7-117188814-TATTA-T.
Other names: short protein forms N445fs.
Identifiers: ClinVar variation 1339679 (VCV001339679.1), dbSNP rs749854099, ClinGen allele CA164960325.
Genomic context (GRCh38, chr7:117,548,760, plus strand): 5'-TGGTGATGACAGCCTCTTCTTCAGTAATTTCTCACTTCTTGGTACTCCTGTCCTGAAAGA[TATTA>T]ATTTCAAGATAGAAAGAGGACAGTTGTTGGCGGTTGCTGGATCCACTGGAGCAGGCAAGG-3'